The following is an entry in ClinVar:

NM_001379286.1(ZNF423):c.2482A>G (p.Ile828Val)

Gene: ZNF423 (zinc finger protein 423; minus strand). Cytogenetic location: 16q12.1.
Variant type: single nucleotide variant.
Coding change: c.2482A>G on transcript NM_001379286.1 (MANE Select); coding-DNA position 2482, A replaced by G.
Protein change: p.Ile828Val; replaces isoleucine 828 with valine.
Molecular consequence: missense variant.
Genome position (GRCh38, 1-based): chr16:49,636,694, T>C on the plus strand (A>G on the coding strand, the complement: ZNF423 is on the minus strand). VCF-style: chr16-49636694-T-C. GRCh37 (hg19) VCF-style: chr16-49670605-T-C.
Other names: c.2278A>G, p.Ile760Val (NM_001271620.2); c.2107A>G, p.Ile703Val (NM_001330533.2); c.2458A>G, p.Ile820Val (NM_015069.5); short protein forms I828V, I820V, I703V, I760V.
Identifiers: ClinVar variation 2064098 (VCV002064098.4), dbSNP rs755848526, ClinGen allele CA8046497.

ClinVar aggregate classification (germline): Uncertain significance (1 of 4 stars; one submission).

Conditions:
Nephronophthisis 14 (NPHP14). Identifiers: Orphanet 2318, MedGen C3539071, MONDO:0013916, OMIM 614844.

Allele frequency attached by ClinVar (database versions not stated): ExAC 0.00001.
gnomAD v4.1: 3 of 1,614,042 alleles (0.00019%); highest among the groups gnomAD compares: Middle Eastern, 0.016%; no homozygotes.

Submission:

Labcorp Genetics (formerly Invitae), Labcorp
Classification: Uncertain significance for Nephronophthisis 14. Last evaluated: 2022-03-20. Review status: criteria provided, single submitter. Criteria: Invitae Variant Classification Sherloc (09022015). Collection method: clinical testing. Allele origin: germline.
Comment: This variant is present in population databases (rs755848526, gnomAD 0.01%). In summary, the available evidence is currently insufficient to determine the role of this variant in disease. Therefore, it has been classified as a Variant of Uncertain Significance. Algorithms developed to predict the effect of missense changes on protein structure and function (SIFT, PolyPhen-2, Align-GVGD) all suggest that this variant is likely to be tolerated. This variant has not been reported in the literature in individuals affected with ZNF423-related conditions. This sequence change replaces isoleucine, which is neutral and non-polar, with valine, which is neutral and non-polar, at codon 820 of the ZNF423 protein (p.Ile820Val).